The following is an entry in ClinVar:

NM_032492.4(JAGN1):c.421G>C (p.Gly141Arg)

Gene: JAGN1 (jagunal homolog 1; plus strand). Cytogenetic location: 3p25.3.
Variant type: single nucleotide variant.
Coding change: c.421G>C on transcript NM_032492.4 (MANE Select); coding-DNA position 421, G replaced by C.
Protein change: p.Gly141Arg; replaces glycine 141 with arginine.
Molecular consequence: missense variant.
Genome position (GRCh38, 1-based): chr3:9,893,246, G>C. VCF-style: chr3-9893246-G-C. GRCh37 (hg19) VCF-style: chr3-9934930-G-C.
Other names: c.259G>C, p.Gly87Arg (NM_001363890.1); short protein forms G141R, G87R.
Identifiers: ClinVar variation 1388265 (VCV001388265.3), dbSNP rs762857972, ClinGen allele CA2245891.

ClinVar aggregate classification (germline): Uncertain significance (1 of 4 stars; one submission).

Conditions:
Autosomal recessive severe congenital neutropenia due to JAGN1 deficiency. Also called: Severe congenital neutropenia 6, autosomal recessive. Identifiers: Orphanet 423384, MedGen C4014954, MONDO:0014456, OMIM 616022.

Allele frequency attached by ClinVar (database versions not stated): gnomAD 0.00002 and 0.00003; gnomAD exomes 0.00001 and 0.00010; TOPMed 0.00005; ExAC 0.00008.

Submission:

Labcorp Genetics (formerly Invitae), Labcorp
Classification: Uncertain significance for Autosomal recessive severe congenital neutropenia due to JAGN1 deficiency. Last evaluated: 2021-09-06. Review status: criteria provided, single submitter. Criteria: Invitae Variant Classification Sherloc (09022015). Collection method: clinical testing. Allele origin: germline.
Comment: This sequence change replaces glycine with arginine at codon 141 of the JAGN1 protein (p.Gly141Arg). The glycine residue is highly conserved and there is a moderate physicochemical difference between glycine and arginine. This variant is present in population databases (rs762857972, ExAC 0.1%). This variant has not been reported in the literature in individuals affected with JAGN1-related conditions. Algorithms developed to predict the effect of missense changes on protein structure and function are either unavailable or do not agree on the potential impact of this missense change (SIFT: "Tolerated"; PolyPhen-2: "Possibly Damaging"; Align-GVGD: "Class C0"). In summary, the available evidence is currently insufficient to determine the role of this variant in disease. Therefore, it has been classified as a Variant of Uncertain Significance.